The following is an entry in ClinVar:

NM_000760.4(CSF3R):c.2306G>A (p.Arg769His)

Gene: CSF3R (colony stimulating factor 3 receptor; minus strand). Cytogenetic location: 1p34.3.
Variant type: single nucleotide variant.
Coding change: c.2306G>A on transcript NM_000760.4 (MANE Select); coding-DNA position 2306, G replaced by A.
Protein change: p.Arg769His; replaces arginine 769 with histidine.
Molecular consequence: missense variant. On other transcripts: intron variant (1).
Genome position (GRCh38, 1-based): chr1:36,466,562, C>T on the plus strand (G>A on the coding strand, the complement: CSF3R is on the minus strand). VCF-style: chr1-36466562-C-T. GRCh37 (hg19) VCF-style: chr1-36932163-C-T.
Other names: c.2387G>A, p.Arg796His (NM_156039.3); c.2247+59G>A (NM_172313.3); short protein forms R769H, R796H.
Identifiers: ClinVar variation 2903514 (VCV002903514.3), dbSNP rs765499767, ClinGen allele CA768912.

ClinVar aggregate classification (germline): Uncertain significance (1 of 4 stars; one submission).

Conditions:
Autosomal recessive severe congenital neutropenia due to CSF3R deficiency. Also called: Neutropenia, severe congenital, 7, autosomal recessive. Identifiers: Orphanet 420702, MedGen C4310764, MONDO:0014865, OMIM 617014.

Allele frequency attached by ClinVar (database versions not stated): ExAC 0.00006; gnomAD exomes 0.00002.
gnomAD v4.1: 25 of 1,610,080 alleles (0.0016%); highest among the groups gnomAD compares: East Asian, 0.025%; no homozygotes.

Submission:

Labcorp Genetics (formerly Invitae), Labcorp
Classification: Uncertain significance for Autosomal recessive severe congenital neutropenia due to CSF3R deficiency. Last evaluated: 2025-11-11. Review status: criteria provided, single submitter. Criteria: Invitae Variant Classification Sherloc (09022015). Collection method: clinical testing. Allele origin: germline.
Comment: This sequence change replaces arginine, which is basic and polar, with histidine, which is basic and polar, at codon 769 of the CSF3R protein (p.Arg769His). This variant is present in population databases (rs765499767, gnomAD 0.02%). This variant has not been reported in the literature in individuals affected with CSF3R-related conditions. ClinVar contains an entry for this variant (Variation ID: 2903514). An algorithm developed to predict the effect of missense changes on protein structure and function (PolyPhen-2) suggests that this variant is likely to be disruptive. In summary, the available evidence is currently insufficient to determine the role of this variant in disease. Therefore, it has been classified as a Variant of Uncertain Significance.